The following is an entry in ClinVar:

NM_024598.4(USB1):c.202G>A (p.Gly68Arg)

Gene: USB1 (U6 snRNA biogenesis phosphodiesterase 1; plus strand). Cytogenetic location: 16q21.
Variant type: single nucleotide variant.
Coding change: c.202G>A on transcript NM_024598.4 (MANE Select); coding-DNA position 202, G replaced by A.
Protein change: p.Gly68Arg; replaces glycine 68 with arginine.
Molecular consequence: missense variant.
Genome position (GRCh38, 1-based): chr16:58,002,582, G>A. VCF-style: chr16-58002582-G-A. GRCh37 (hg19) VCF-style: chr16-58036486-G-A.
Other names: c.202G>A, p.Gly68Arg (NM_001195302.2, NM_001204911.2, NM_001330569.2); c.49G>A, p.Gly17Arg (NM_001330568.2); short protein forms G68R, G17R.
Identifiers: ClinVar variation 1389991 (VCV001389991.7), dbSNP rs774672635, ClinGen allele CA8084828.

ClinVar aggregate classification (germline): Uncertain significance. Review status: criteria provided, multiple submitters, no conflicts (2 of 4 stars). 2 submissions from 2 submitters: Uncertain significance (2). Last evaluated 2025-11-16.

Allele frequency attached by ClinVar (database versions not stated): gnomAD 0.00002; TOPMed 0.00002; ExAC 0.00007; gnomAD exomes 0.00007 and 0.00008.
gnomAD v4.1: 105 of 1,613,924 alleles (0.0065%); highest among the groups gnomAD compares: East Asian, 0.12%; no homozygotes.

Submissions (2):

Labcorp Genetics (formerly Invitae), Labcorp
Classification: Uncertain significance. Last evaluated: 2025-11-16. Review status: criteria provided, single submitter. Criteria: Invitae Variant Classification Sherloc (09022015). Collection method: clinical testing. Allele origin: germline.
Comment: This sequence change replaces glycine, which is neutral and non-polar, with arginine, which is basic and polar, at codon 68 of the USB1 protein (p.Gly68Arg). This variant is present in population databases (rs774672635, gnomAD 0.1%). This missense change has been observed in individual(s) with clinical features of Rothmund-Thomson syndrome (PMID: 32369273). ClinVar contains an entry for this variant (Variation ID: 1389991). Invitae Evidence Modeling of protein sequence and biophysical properties (such as structural, functional, and spatial information, amino acid conservation, physicochemical variation, residue mobility, and thermodynamic stability) has been performed for this missense variant. However, the output from this modeling did not meet the statistical confidence thresholds required to predict the impact of this variant on USB1 protein function. In summary, the available evidence is currently insufficient to determine the role of this variant in disease. Therefore, it has been classified as a Variant of Uncertain Significance.

Blueprint Genetics
Classification: Uncertain significance. Last evaluated: 2024-08-06. Review status: criteria provided, single submitter. Criteria: ACMG Guidelines, 2015. Collection method: clinical testing. Allele origin: germline.

Literature cited by the submitters: PubMed 32369273 (cited by Labcorp Genetics (formerly Invitae), Labcorp).